The following is an entry in ClinVar:

ClinVar aggregate classification (germline): Uncertain significance (1 of 4 stars; one submission).

Conditions:
Microcephaly-intellectual disability-sensorineural hearing loss-epilepsy-abnormal muscle tone syndrome (NEDHSB). Also called: NEURODEVELOPMENTAL DISORDER WITH HEARING LOSS, SEIZURES, AND BRAIN ABNORMALITIES. Identifiers: Orphanet 457351, MedGen C4225276, MONDO:0014698, OMIM 616577.

Submission:

Baylor Genetics
Classification: Uncertain significance for Microcephaly-intellectual disability-sensorineural hearing loss-epilepsy-abnormal muscle tone syndrome. Last evaluated: 2018-05-25. Review status: criteria provided, single submitter. Criteria: ACMG Guidelines, 2015. Collection method: clinical testing. Allele origin: unknown. Affected: yes.
Comment: This variant was determined to be of uncertain significance according to ACMG Guidelines, 2015 [PMID:25741868].

NM_145207.3(AFG2A):c.847C>G (p.Leu283Val)

Gene: AFG2A (AFG2 AAA ATPase homolog A; plus strand). Cytogenetic location: 4q28.1.
Variant type: single nucleotide variant.
Coding change: c.847C>G on transcript NM_145207.3 (MANE Select); coding-DNA position 847, C replaced by G.
Protein change: p.Leu283Val; replaces leucine 283 with valine.
Molecular consequence: missense variant.
Genome position (GRCh38, 1-based): chr4:122,934,438, C>G. VCF-style: chr4-122934438-C-G. GRCh37 (hg19) VCF-style: chr4-123855593-C-G.
Other names: c.844C>G, p.Leu282Val (NM_001317799.2, NM_001345856.2); short protein forms L283V, L282V.
Identifiers: ClinVar variation 1031659 (VCV001031659.1), dbSNP rs1728945931, ClinGen allele CA358102194.